The following is an entry in ClinVar:

ClinVar aggregate classification (germline): Uncertain significance (1 of 4 stars; one submission).

Submission:

Labcorp Genetics (formerly Invitae), Labcorp
Classification: Uncertain significance. Last evaluated: 2024-05-15. Review status: criteria provided, single submitter. Criteria: Invitae Variant Classification Sherloc (09022015). Collection method: clinical testing. Allele origin: germline.
Comment: This sequence change replaces alanine, which is neutral and non-polar, with valine, which is neutral and non-polar, at codon 395 of the SLC7A14 protein (p.Ala395Val). This variant is not present in population databases (gnomAD no frequency). This variant has not been reported in the literature in individuals affected with SLC7A14-related conditions. An algorithm developed to predict the effect of missense changes on protein structure and function (PolyPhen-2) suggests that this variant is likely to be disruptive. In summary, the available evidence is currently insufficient to determine the role of this variant in disease. Therefore, it has been classified as a Variant of Uncertain Significance.

NM_020949.3(SLC7A14):c.1184C>T (p.Ala395Val)

Genes: SLC7A14 (solute carrier family 7 member 14; minus strand), SLC7A14-AS1 (SLC7A14 antisense RNA 1; plus strand). Cytogenetic location: 3q26.2.
Variant type: single nucleotide variant.
Coding change: c.1184C>T on transcript NM_020949.3 (MANE Select); coding-DNA position 1184, C replaced by T.
Protein change: p.Ala395Val; replaces alanine 395 with valine.
Molecular consequence: missense variant.
Genome position (GRCh38, 1-based): chr3:170,481,098, G>A on the plus strand (C>T on the coding strand, the complement: SLC7A14 is on the minus strand). VCF-style: chr3-170481098-G-A. GRCh37 (hg19) VCF-style: chr3-170198887-G-A.
Other names: short protein forms A395V.
Identifiers: ClinVar variation 3650119 (VCV003650119.2).